The following is an entry in ClinVar:

NM_004304.5(ALK):c.892G>T (p.Ala298Ser)

Gene: ALK (ALK receptor tyrosine kinase; minus strand). Cytogenetic location: 2p23.2.
Variant type: single nucleotide variant.
Coding change: c.892G>T on transcript NM_004304.5 (MANE Select); coding-DNA position 892, G replaced by T.
Protein change: p.Ala298Ser; replaces alanine 298 with serine.
Molecular consequence: missense variant.
Genome position (GRCh38, 1-based): chr2:29,694,910, C>A on the plus strand (G>T on the coding strand, the complement: ALK is on the minus strand). VCF-style: chr2-29694910-C-A. GRCh37 (hg19) VCF-style: chr2-29917776-C-A.
Other names: short protein forms A298S.
Identifiers: ClinVar variation 1016842 (VCV001016842.10), dbSNP rs577240830, ClinGen allele CA346586924.

ClinVar aggregate classification (germline): Uncertain significance. Review status: criteria provided, multiple submitters, no conflicts (2 of 4 stars). 2 submissions from 2 submitters: Uncertain significance (2). Last evaluated 2025-07-30.

Conditions:
Hereditary cancer-predisposing syndrome. Also called: Tumor predisposition; Hereditary Cancer Syndrome; Neoplastic Syndromes, Hereditary; Hereditary neoplastic syndrome. Identifiers: Orphanet 140162, MedGen C0027672, MeSH D009386, MONDO:0015356.
Neuroblastoma, susceptibility to, 3. Also called: ALK-Related Neuroblastic Tumor Susceptibility. Identifiers: Orphanet 635, MedGen C2751681, MONDO:0013083, OMIM 613014.

Submissions (2):

Labcorp Genetics (formerly Invitae), Labcorp
Classification: Uncertain significance for Neuroblastoma, susceptibility to, 3. Last evaluated: 2025-07-30. Review status: criteria provided, single submitter. Criteria: Invitae Variant Classification Sherloc (09022015). Collection method: clinical testing. Allele origin: germline.
Comment: This sequence change replaces alanine, which is neutral and non-polar, with serine, which is neutral and polar, at codon 298 of the ALK protein (p.Ala298Ser). This variant is not present in population databases (gnomAD no frequency). This variant has not been reported in the literature in individuals affected with ALK-related conditions. ClinVar contains an entry for this variant (Variation ID: 1016842). An algorithm developed to predict the effect of missense changes on protein structure and function (PolyPhen-2) suggests that this variant is likely to be tolerated. In summary, the available evidence is currently insufficient to determine the role of this variant in disease. Therefore, it has been classified as a Variant of Uncertain Significance.

Ambry Genetics
Classification: Uncertain significance for Hereditary cancer-predisposing syndrome. Last evaluated: 2024-08-17. Review status: criteria provided, single submitter. Criteria: Ambry Variant Classification Scheme 2023. Collection method: clinical testing. Allele origin: germline.
Comment: The p.A298S variant (also known as c.892G>T), located in coding exon 3 of the ALK gene, results from a G to T substitution at nucleotide position 892. The alanine at codon 298 is replaced by serine, an amino acid with similar properties. This amino acid position is conserved. In addition, this alteration is predicted to be tolerated by in silico analysis. Since supporting evidence is limited at this time, the clinical significance of this alteration remains unclear.